The following is an entry in ClinVar:

ClinVar aggregate classification (germline): Pathogenic/Likely pathogenic. Review status: criteria provided, multiple submitters, no conflicts (2 of 4 stars). 2 submissions from 2 submitters: Pathogenic (1); Likely pathogenic (1). Last evaluated 2024-06-17.

Conditions:
Charlevoix-Saguenay spastic ataxia (SACS). Also called: SPASTIC ATAXIA 6, AUTOSOMAL RECESSIVE; AUTOSOMAL RECESSIVE SPASTIC ATAXIA OF CHARLEVOIX-SAGUENAY; Spastic ataxia of Charlevoix-Saguenay. Identifiers: Orphanet 98, MedGen C1849140, MONDO:0010041, OMIM 270550.
Spastic paraplegia. Identifiers: MedGen C0037772, HP:0001258.

gnomAD v4.1: 2 of 1,467,938 alleles (0.00014%); highest among the groups gnomAD compares: Non-Finnish European, 0.00018%; no homozygotes.

Submissions (2):

Fulgent Genetics
Classification: Likely pathogenic for Charlevoix-Saguenay spastic ataxia. Last evaluated: 2024-06-17. Review status: criteria provided, single submitter. Criteria: ACMG Guidelines, 2015. Collection method: clinical testing. Allele origin: germline.

Labcorp Genetics (formerly Invitae), Labcorp
Classification: Pathogenic for Spastic paraplegia. Last evaluated: 2022-07-01. Review status: criteria provided, single submitter. Criteria: Invitae Variant Classification Sherloc (09022015). Collection method: clinical testing. Allele origin: germline.
Comment: For these reasons, this variant has been classified as Pathogenic. This variant has not been reported in the literature in individuals affected with SACS-related conditions. This variant is not present in population databases (gnomAD no frequency). This sequence change creates a premature translational stop signal (p.Trp8*) in the SACS gene. It is expected to result in an absent or disrupted protein product. Loss-of-function variants in SACS are known to be pathogenic (PMID: 18465152, 20876471).

Literature cited by the submitters: PubMed 18465152 (cited by Labcorp Genetics (formerly Invitae), Labcorp); PubMed 20876471 (cited by Labcorp Genetics (formerly Invitae), Labcorp).

NM_014363.6(SACS):c.24G>A (p.Trp8Ter)

Genes: SACS (sacsin molecular chaperone; minus strand), LOC130009366 (ATAC-STARR-seq lymphoblastoid silent region 5172; plus strand). Cytogenetic location: 13q12.12.
Variant type: single nucleotide variant.
Coding change: c.24G>A on transcript NM_014363.6 (MANE Select); coding-DNA position 24, G replaced by A.
Protein change: p.Trp8Ter; replaces tryptophan 8 with a stop codon.
Molecular consequence: nonsense. On other transcripts: 5 prime UTR variant (1).
Genome position (GRCh38, 1-based): chr13:23,375,266, C>T on the plus strand (G>A on the coding strand, the complement: SACS is on the minus strand). VCF-style: chr13-23375266-C-T. GRCh37 (hg19) VCF-style: chr13-23949405-C-T.
Other names: c.-330G>A (NM_001278055.2); short protein forms W8*.
Identifiers: ClinVar variation 2081622 (VCV002081622.5), dbSNP rs2542505703, ClinGen allele CA387554822.